The following is an entry in ClinVar:

ClinVar aggregate classification (germline): Likely benign. Review status: criteria provided, multiple submitters, no conflicts (2 of 4 stars). 2 submissions from 2 submitters: Likely benign (2). Last evaluated 2022-09-01.

Submissions (2):

CeGaT Center for Human Genetics Tuebingen
Classification: Likely benign. Last evaluated: 2022-09-01. Review status: criteria provided, single submitter. Criteria: CeGaT Center For Human Genetics Tuebingen Variant Classification Criteria Version 2. Collection method: clinical testing. Allele origin: germline. Affected: yes. Observed: 1 variant allele.
Comment: ARMS2: BS2

Labcorp Genetics (formerly Invitae), Labcorp
Classification: Likely benign. Last evaluated: 2018-08-20. Review status: criteria provided, single submitter. Criteria: Invitae Variant Classification Sherloc (09022015). Collection method: clinical testing. Allele origin: germline.

NM_001099667.3(ARMS2):c.246_247del (p.Pro83fs)

Genes: ARMS2 (age-related maculopathy susceptibility 2; plus strand), HTRA1-AS1 (HTRA1 and ARMS2 antisense RNA 1; minus strand). Cytogenetic location: 10q26.13.
Variant type: Microsatellite.
Coding change: c.246_247del on transcript NM_001099667.3 (MANE Select); coding-DNA positions 246 to 247, 2 bases deleted (TC; older notation c.246_247delTC).
Protein change: p.Pro83fs; shifts the reading frame from proline 83.
Molecular consequence: frameshift variant.
Genome position (GRCh38, 1-based): chr10:122,454,973-122,454,974, TC deleted; deleting any 2 consecutive bases within chr10:122,454,969-122,454,974 gives the same sequence; the c. name uses the placement nearest the transcript's 3' end. VCF-style (leftmost placement, unchanged base first): chr10-122454968-TTC-T. GRCh37 (hg19) VCF-style: chr10-124214484-TTC-T.
Other names: short protein forms P83fs.
Identifiers: ClinVar variation 723528 (VCV000723528.27), dbSNP rs532010317, ClinGen allele CA5725748.